The following is an entry in ClinVar:

NM_000059.4(BRCA2):c.4744A>G (p.Thr1582Ala)

Gene: BRCA2 (BRCA2 DNA repair associated; plus strand). Cytogenetic location: 13q13.1.
Variant type: single nucleotide variant.
Coding change: c.4744A>G on transcript NM_000059.4 (MANE Select); coding-DNA position 4744, A replaced by G.
Protein change: p.Thr1582Ala; replaces threonine 1582 with alanine.
Molecular consequence: missense variant. On other transcripts: non-coding transcript variant (1), intron variant (2).
Genome position (GRCh38, 1-based): chr13:32,339,099, A>G. VCF-style: chr13-32339099-A-G. GRCh37 (hg19) VCF-style: chr13-32913236-A-G.
Other names: c.4744A>G, p.Thr1582Ala (NM_001406719.1, NM_001406720.1); c.1910-5459A>G (NM_001406721.1); c.425-5459A>G (NM_001406722.1); short protein forms T1582A.
Identifiers: ClinVar variation 2802051 (VCV002802051.5), dbSNP rs2137509760, ClinGen allele CA387783069.
Genomic context (GRCh38, chr13:32,339,099, plus strand): 5'-CAATGGGCAAAGACCCTAAAGTACAGAGAGGCCTGTAAAGACCTTGAATTAGCATGTGAG[A>G]CCATTGAGATCACAGCTGCCCCAAAGTGTAAAGAAATGCAGAATTCTCTCAATAATGATA-3'
Protein context (NP_000050.3, residues 1572-1592): ACKDLELACE[Thr1582Ala]IEITAAPKCK

ClinVar aggregate classification (germline): Uncertain significance. Review status: criteria provided, multiple submitters, no conflicts (2 of 4 stars). 3 submissions from 3 submitters: Uncertain significance (3). Last evaluated 2024-06-23.

Conditions:
Hereditary breast ovarian cancer syndrome. Also called: Hereditary breast and ovarian cancer syndrome; Breast and ovarian cancer; BRCA1- and BRCA2-Associated Hereditary Breast and Ovarian Cancer; Hereditary breast and ovarian cancer syndrome (HBOC); Hereditary breast and/or ovarian cancer syndrome; Hereditary breast and ovarian cancer. Identifiers: Orphanet 145, MedGen C0677776, MeSH D061325, MONDO:0003582. Disease mechanism: loss of function.
Hereditary cancer-predisposing syndrome. Also called: Hereditary neoplastic syndrome; Neoplastic Syndromes, Hereditary; Hereditary Cancer Syndrome; Tumor predisposition. Identifiers: Orphanet 140162, MedGen C0027672, MeSH D009386, MONDO:0015356.

Submissions (3):

Ambry Genetics
Classification: Uncertain significance for Hereditary cancer-predisposing syndrome. Last evaluated: 2024-06-23. Review status: criteria provided, single submitter. Criteria: Ambry Variant Classification Scheme 2023. Collection method: clinical testing. Allele origin: germline.
Comment: The p.T1582A variant (also known as c.4744A>G), located in coding exon 10 of the BRCA2 gene, results from an A to G substitution at nucleotide position 4744. The threonine at codon 1582 is replaced by alanine, an amino acid with similar properties. This amino acid position is conserved. In addition, this alteration is predicted to be tolerated by in silico analysis. Based on the available evidence, the clinical significance of this variant remains unclear.

Quest Diagnostics Nichols Institute San Juan Capistrano
Classification: Uncertain significance. Last evaluated: 2024-01-05. Review status: criteria provided, single submitter. Criteria: Quest Diagnostics criteria. Collection method: clinical testing. Allele origin: unknown.
Comment: The BRCA2 c.4744A>G (p.Thr1582Ala) variant has not been reported in individuals with BRCA2-related conditions in the published literature. It also has not been reported in large, multi-ethnic general populations (Genome Aggregation Database). Analysis of this variant using bioinformatics tools for the prediction of the effect of amino acid changes on protein structure and function yielded predictions that this variant is benign. Based on the available information, we are unable to determine the clinical significance of this variant.

Labcorp Genetics (formerly Invitae), Labcorp
Classification: Uncertain significance for Hereditary breast ovarian cancer syndrome. Last evaluated: 2023-12-08. Review status: criteria provided, single submitter. Criteria: Invitae Variant Classification Sherloc (09022015). Collection method: clinical testing. Allele origin: germline.
Comment: This sequence change replaces threonine, which is neutral and polar, with alanine, which is neutral and non-polar, at codon 1582 of the BRCA2 protein (p.Thr1582Ala). This variant is not present in population databases (gnomAD no frequency). This variant has not been reported in the literature in individuals affected with BRCA2-related conditions. Advanced modeling of protein sequence and biophysical properties (such as structural, functional, and spatial information, amino acid conservation, physicochemical variation, residue mobility, and thermodynamic stability) performed at Invitae indicates that this missense variant is not expected to disrupt BRCA2 protein function with a negative predictive value of 95%. In summary, the available evidence is currently insufficient to determine the role of this variant in disease. Therefore, it has been classified as a Variant of Uncertain Significance.